The following is an entry in ClinVar:

ClinVar aggregate classification (germline): Uncertain significance (1 of 4 stars; one submission).

Submission:

Mayo Clinic Laboratories, Mayo Clinic
Classification: Uncertain significance. Last evaluated: 2023-06-16. Review status: criteria provided, single submitter. Criteria: ACMG Guidelines, 2015. Collection method: clinical testing. Allele origin: germline. Observed: 1 variant allele.
Comment: PM2_supporting

NM_002474.3(MYH11):c.3071A>C (p.Asn1024Thr)

Gene: MYH11 (myosin heavy chain 11; minus strand). Cytogenetic location: 16p13.11.
Variant type: single nucleotide variant.
Coding change: c.3071A>C on transcript NM_002474.3 (MANE Select); coding-DNA position 3071, A replaced by C.
Protein change: p.Asn1024Thr; replaces asparagine 1024 with threonine.
Molecular consequence: missense variant.
Genome position (GRCh38, 1-based): chr16:15,738,615, T>G on the plus strand (A>C on the coding strand, the complement: MYH11 is on the minus strand). VCF-style: chr16-15738615-T-G. GRCh37 (hg19) VCF-style: chr16-15832472-T-G.
Other names: p.Asn1031Thr; c.3092A>C, p.Asn1031Thr (NM_001040113.2, NM_001040114.2); c.3071A>C, p.Asn1024Thr (NM_022844.3); short protein forms N1024T, N1031T.
Identifiers: ClinVar variation 2683347 (VCV002683347.1), dbSNP rs2151245961, ClinGen allele CA394863779.